The following is an entry in ClinVar:

ClinVar aggregate classification (germline): Likely benign (1 of 4 stars; one submission).

Conditions:
Breast-ovarian cancer, familial, susceptibility to, 3. Also called: RAD51C-Related Breast/Ovarian Cancer. Identifiers: Orphanet 145, MedGen C3150659, MONDO:0013253, OMIM 613399.

Submission:

Myriad Genetics, Inc.
Classification: Likely benign for Breast-ovarian cancer, familial, susceptibility to, 3. Last evaluated: 2025-02-14. Review status: criteria provided, single submitter. Criteria: Myriad Autosomal Dominant, Autosomal Recessive and X-Linked Classification Criteria (2023). Collection method: clinical testing. Allele origin: unknown.
Comment: This variant is considered likely benign. This variant is intronic and is not expected to impact mRNA splicing.

NM_058216.3(RAD51C):c.146-19_146-14del

Gene: RAD51C (RAD51 paralog C; plus strand). Cytogenetic location: 17q22.
Variant type: Deletion.
Coding change: c.146-19_146-14del on transcript NM_058216.3 (MANE Select); 19 bases into the intron before coding-DNA position 146 through 14 bases into the intron before coding-DNA position 146, 6 bases deleted (TTTCTT; older notation c.146-19_146-14delTTTCTT).
Molecular consequence: intron variant.
Genome position (GRCh38, 1-based): chr17:58,694,912-58,694,917, TTTCTT deleted; deleting any 6 consecutive bases within chr17:58,694,910-58,694,917 gives the same sequence; the c. name uses the placement nearest the transcript's 3' end. VCF-style (leftmost placement, unchanged base first): chr17-58694909-TTTTTTC-T. GRCh37 (hg19) VCF-style: chr17-56772270-TTTTTTC-T.
Other names: c.146-19_146-14del (NM_002876.4).
Identifiers: ClinVar variation 3904261 (VCV003904261.1).